The following is an entry in ClinVar:

NM_000016.6(ACADM):c.1046G>T (p.Arg349Leu)

Gene: ACADM (acyl-CoA dehydrogenase medium chain; plus strand). Cytogenetic location: 1p31.1.
Variant type: single nucleotide variant.
Coding change: c.1046G>T on transcript NM_000016.6 (MANE Select); coding-DNA position 1046, G replaced by T.
Protein change: p.Arg349Leu; replaces arginine 349 with leucine.
Molecular consequence: missense variant.
Genome position (GRCh38, 1-based): chr1:75,761,222, G>T. VCF-style: chr1-75761222-G-T. GRCh37 (hg19) VCF-style: chr1-76226907-G-T.
Other names: c.1058G>T, p.Arg353Leu (NM_001127328.3); c.938G>T, p.Arg313Leu (NM_001286042.2); c.1145G>T, p.Arg382Leu (NM_001286043.2); c.479G>T, p.Arg160Leu (NM_001286044.2); short protein forms R349L, R313L, R382L, R160L, R353L.
Identifiers: ClinVar variation 495342 (VCV000495342.6), dbSNP rs760335676, ClinGen allele CA340818055.

ClinVar aggregate classification (germline): Conflicting classifications of pathogenicity. Review status: criteria provided, conflicting classifications (1 of 4 stars). 3 submissions from 3 submitters: Likely pathogenic (1); Uncertain significance (1). 1 of the submissions does not count toward it. Last evaluated 2021-12-02.

Conditions:
Medium-chain acyl-coenzyme A dehydrogenase deficiency (ACADMD). Also called: MCAD Deficiency; ACADM DEFICIENCY; CARNITINE DEFICIENCY SECONDARY TO MEDIUM-CHAIN ACYL-CoA DEHYDROGENASE DEFICIENCY; MCADH DEFICIENCY; MCADD; Medium chain acyl-CoA dehydrogenase deficiency. Identifiers: Orphanet 42, MedGen C0220710, MONDO:0008721, OMIM 201450.

Submissions (3):

Labcorp Genetics (formerly Invitae), Labcorp
Classification: Likely pathogenic for Medium-chain acyl-coenzyme A dehydrogenase deficiency. Last evaluated: 2021-12-02. Review status: criteria provided, single submitter. Criteria: Invitae Variant Classification Sherloc (09022015). Collection method: clinical testing. Allele origin: germline.
Comment: This sequence change replaces arginine, which is basic and polar, with leucine, which is neutral and non-polar, at codon 349 of the ACADM protein (p.Arg349Leu). This variant is not present in population databases (gnomAD no frequency). This variant has not been reported in the literature in individuals affected with ACADM-related conditions. ClinVar contains an entry for this variant (Variation ID: 495342). Advanced modeling of protein sequence and biophysical properties (such as structural, functional, and spatial information, amino acid conservation, physicochemical variation, residue mobility, and thermodynamic stability) performed at Invitae indicates that this missense variant is expected to disrupt ACADM protein function. This variant disrupts the p.Arg349 amino acid residue in ACADM. Other variant(s) that disrupt this residue have been determined to be pathogenic (Invitae). This suggests that this residue is clinically significant, and that variants that disrupt this residue are likely to be disease-causing. In summary, the currently available evidence indicates that the variant is pathogenic, but additional data are needed to prove that conclusively. Therefore, this variant has been classified as Likely Pathogenic.

Women's Health and Genetics/Laboratory Corporation of America, LabCorp
Classification: Uncertain significance. Last evaluated: 2017-03-08. Review status: criteria provided, single submitter. Criteria: LabCorp Variant Classification Summary - May 2015. Collection method: clinical testing. Allele origin: germline.
Comment: Variant summary: The ACADM c.1046G>T (p.Arg349Leu) variant involves the alteration of a conserved nucleotide, is located in Acyl-CoA dehydrogenase/oxidase C-terminal domain of the protein (InterPro) and is predicted to be damaging by 2/4 in silico tools (SNPs&GO not captured due to low reliability index). This variant is absent from 121408 control chromosomes from ExAC. The variant of interest has not, to our knowledge, been reported in affected individuals via publications and/or reputable databases/clinical diagnostic laboratories, nor evaluated for functional impact by in vivo/vitro studies. Due to the absence of clinical information and lack of functional studies, the variant is classified as a variant of uncertain significance (VUS) until additional information becomes available.

Natera, Inc.
Classification: Uncertain significance for Medium-chain acyl-coenzyme a dehydrogenase deficiency. Last evaluated: 2020-09-16. Review status: no assertion criteria provided. Collection method: clinical testing. Allele origin: germline. Not counted in ClinVar's aggregate classification.